The following is an entry in ClinVar:

NM_002582.4(PARN):c.1709G>A (p.Ser570Asn)

Gene: PARN (poly(A)-specific ribonuclease; minus strand). Cytogenetic location: 16p13.12.
Variant type: single nucleotide variant.
Coding change: c.1709G>A on transcript NM_002582.4 (MANE Select); coding-DNA position 1709, G replaced by A.
Protein change: p.Ser570Asn; replaces serine 570 with asparagine.
Molecular consequence: missense variant.
Genome position (GRCh38, 1-based): chr16:14,447,043, C>T on the plus strand (G>A on the coding strand, the complement: PARN is on the minus strand). VCF-style: chr16-14447043-C-T. GRCh37 (hg19) VCF-style: chr16-14540900-C-T.
Other names: c.1526G>A, p.Ser509Asn (NM_001134477.3); c.1571G>A, p.Ser524Asn (NM_001242992.2); short protein forms S509N, S524N, S570N.
Identifiers: ClinVar variation 4787248 (VCV004787248.1).

ClinVar aggregate classification (germline): Uncertain significance (1 of 4 stars; one submission).

Conditions:
Dyskeratosis congenita, autosomal recessive 6 (DKCB6). Identifiers: MedGen C4225356, MONDO:0014600, OMIM 616353.
Pulmonary fibrosis and/or bone marrow failure, Telomere-related, 4. Also called: PULMONARY FIBROSIS AND/OR BONE MARROW FAILURE SYNDROME, TELOMERE-RELATED, 4. Identifiers: Orphanet 2032, MedGen C4225347, MONDO:0014612, OMIM 616371.

Submission:

Labcorp Genetics (formerly Invitae), Labcorp
Classification: Uncertain significance for Dyskeratosis congenita, autosomal recessive 6; Pulmonary fibrosis and/or bone marrow failure, Telomere-related, 4. Last evaluated: 2026-01-12. Review status: criteria provided, single submitter. Criteria: Invitae Variant Classification Sherloc (09022015). Collection method: clinical testing. Allele origin: germline.
Comment: This sequence change replaces serine, which is neutral and polar, with asparagine, which is neutral and polar, at codon 570 of the PARN protein (p.Ser570Asn). This variant is not present in population databases (gnomAD no frequency). This variant has not been reported in the literature in individuals affected with PARN-related conditions. An algorithm developed to predict the effect of missense changes on protein structure and function (PolyPhen-2) suggests that this variant is likely to be disruptive. In summary, the available evidence is currently insufficient to determine the role of this variant in disease. Therefore, it has been classified as a Variant of Uncertain Significance.